The following is an entry in ClinVar:

ClinVar aggregate classification (germline): Uncertain significance (1 of 4 stars; one submission).

Conditions:
Inborn genetic diseases. Identifiers: MedGen C0950123, MeSH D030342.

gnomAD v4.1: 23 of 1,613,408 alleles (0.0014%); highest among the groups gnomAD compares: Non-Finnish European, 0.0017%; no homozygotes.

Submission:

Ambry Genetics
Classification: Uncertain significance for Inborn genetic diseases. Last evaluated: 2025-09-17. Review status: criteria provided, single submitter. Criteria: Ambry Variant Classification Scheme 2023. Collection method: clinical testing. Allele origin: germline.
Comment: The p.I219T variant (also known as c.656T>C), located in coding exon 4 of the KDM1A gene, results from a T to C substitution at nucleotide position 656. The isoleucine at codon 219 is replaced by threonine, an amino acid with similar properties. This amino acid position is conserved. In addition, the in silico prediction for this alteration is inconclusive. Based on the available evidence, the clinical significance of this variant remains unclear.

NM_001009999.3(KDM1A):c.656T>C (p.Ile219Thr)

Gene: KDM1A (lysine demethylase 1A; plus strand). Cytogenetic location: 1p36.12.
Variant type: single nucleotide variant.
Coding change: c.656T>C on transcript NM_001009999.3 (MANE Select); coding-DNA position 656, T replaced by C.
Protein change: p.Ile219Thr; replaces isoleucine 219 with threonine.
Molecular consequence: missense variant.
Genome position (GRCh38, 1-based): chr1:23,050,465, T>C. VCF-style: chr1-23050465-T-C. GRCh37 (hg19) VCF-style: chr1-23376958-T-C.
Other names: c.596T>C, p.Ile199Thr (NM_001363654.2, NM_001410763.1, NM_015013.4); c.656T>C, p.Ile219Thr (NM_001410762.1); short protein forms I199T, I219T.
Identifiers: ClinVar variation 4622643 (VCV004622643.1).
Genomic context (GRCh38, chr1:23,050,465, plus strand): 5'-TCCAGAGCCGACTTCCTCATGACCGGATGACTTCTCAAGAAGCAGCCTGTTTTCCAGATA[T>C]TATCAGTGGACCACAACAGACCCAGAAGGTTTTTCTTTTCATTAGAAACCGCACAGTAAG-3'
Protein context (NP_001009999.1, residues 209-229): TSQEAACFPD[Ile219Thr]ISGPQQTQKV